The following is an entry in ClinVar:

ClinVar aggregate classification (germline): Uncertain significance (1 of 4 stars; one submission).

Submission:

Labcorp Genetics (formerly Invitae), Labcorp
Classification: Uncertain significance. Last evaluated: 2022-06-15. Review status: criteria provided, single submitter. Criteria: Invitae Variant Classification Sherloc (09022015). Collection method: clinical testing. Allele origin: germline.
Comment: This sequence change replaces glycine, which is neutral and non-polar, with aspartic acid, which is acidic and polar, at codon 2328 of the ADGRV1 protein (p.Gly2328Asp). In summary, the available evidence is currently insufficient to determine the role of this variant in disease. Therefore, it has been classified as a Variant of Uncertain Significance. Algorithms developed to predict the effect of missense changes on protein structure and function output the following: SIFT: "Tolerated"; PolyPhen-2: "Benign"; Align-GVGD: "Class C0". The aspartic acid amino acid residue is found in multiple mammalian species, which suggests that this missense change does not adversely affect protein function. This variant has not been reported in the literature in individuals affected with ADGRV1-related conditions. This variant is not present in population databases (gnomAD no frequency).

NM_032119.4(ADGRV1):c.6983G>A (p.Gly2328Asp)

Gene: ADGRV1 (adhesion G protein-coupled receptor V1; plus strand). Cytogenetic location: 5q14.3.
Variant type: single nucleotide variant.
Coding change: c.6983G>A on transcript NM_032119.4 (MANE Select); coding-DNA position 6983, G replaced by A.
Protein change: p.Gly2328Asp; replaces glycine 2328 with aspartic acid.
Molecular consequence: missense variant. On other transcripts: non-coding transcript variant (1).
Genome position (GRCh38, 1-based): chr5:90,692,636, G>A. VCF-style: chr5-90692636-G-A. GRCh37 (hg19) VCF-style: chr5-89988453-G-A.
Other names: short protein forms G2328D.
Identifiers: ClinVar variation 1994060 (VCV001994060.4), dbSNP rs762795086, ClinGen allele CA360370845.